The following is an entry in ClinVar:

ClinVar aggregate classification (germline): Uncertain significance (1 of 4 stars; one submission).

Submission:

GeneDx
Classification: Uncertain significance. Last evaluated: 2025-07-31. Review status: criteria provided, single submitter. Criteria: GeneDx Variant Classification Process June 2021. Collection method: clinical testing. Allele origin: germline.
Comment: Not observed at significant frequency in large population cohorts (gnomAD); Missense variant in a gene in which most reported pathogenic variants are truncating/loss of function; Has not been previously published as pathogenic or benign to our knowledge.

NM_001267550.2(TTN):c.53698G>A (p.Glu17900Lys)

Genes: TTN (titin; minus strand), TTN-AS1 (TTN antisense RNA 1; plus strand). Cytogenetic location: 2q31.2.
Variant type: single nucleotide variant.
Coding change: c.53698G>A on transcript NM_001267550.2 (MANE Select); coding-DNA position 53698, G replaced by A.
Protein change: p.Glu17900Lys; replaces glutamic acid 17900 with lysine.
Molecular consequence: missense variant.
Genome position (GRCh38, 1-based): chr2:178,605,597, C>T on the plus strand (G>A on the coding strand, the complement: TTN is on the minus strand). VCF-style: chr2-178605597-C-T. GRCh37 (hg19) VCF-style: chr2-179470324-C-T.
Other names: c.48775G>A, p.Glu16259Lys (NM_001256850.1); c.26503G>A, p.Glu8835Lys (NM_003319.4); c.45994G>A, p.Glu15332Lys (NM_133378.4); c.26878G>A, p.Glu8960Lys (NM_133432.3); c.27079G>A, p.Glu9027Lys (NM_133437.4); short protein forms E15332K, E16259K, E17900K, E8835K, E8960K, E9027K.
Identifiers: ClinVar variation 3343007 (VCV003343007.2).
Genomic context (GRCh38, chr2:178,605,597, plus strand): 5'-TGGTTGGGCAGAGTCGCTTGTTAACTCTTTCAAAGTCAGGTTTGTCATGACGCCGTTTTT[C>T]AATGATATATCCTTGGATGGGACTGCCACCATTACTGCGGGGCTCTTTCCAGTCAAGTGT-3'
Protein context (NP_001254479.2, residues 17890-17910): GGSPIQGYII[Glu17900Lys]KRRHDKPDFE